The following is an entry in ClinVar:

NM_001382391.1(CSPP1):c.2986G>A (p.Asp996Asn)

Genes: ARFGEF1 (ARF guanine nucleotide exchange factor 1; minus strand), CSPP1 (centrosome and spindle pole associated protein 1; plus strand). Cytogenetic location: 8q13.2.
Variant type: single nucleotide variant.
Coding change: c.2986G>A on transcript NM_001382391.1 (MANE Select); coding-DNA position 2986, G replaced by A.
Protein change: p.Asp996Asn; replaces aspartic acid 996 with asparagine.
Molecular consequence: missense variant. On other transcripts: 3 prime UTR variant (2).
Genome position (GRCh38, 1-based): chr8:67,175,313, G>A. VCF-style: chr8-67175313-G-A. GRCh37 (hg19) VCF-style: chr8-68087548-G-A.
Other names: c.*242C>T (NM_001413186.1, NM_001413187.1); c.1936G>A, p.Asp646Asn (NM_001291339.2); c.2905G>A, p.Asp969Asn (NM_001363131.2); c.2791G>A, p.Asp931Asn (NM_001363132.2); c.2710G>A, p.Asp904Asn (NM_001363133.2); c.3052G>A, p.Asp1018Asn (NM_001364869.1); c.2872G>A, p.Asp958Asn (NM_001364870.1); c.2818G>A, p.Asp940Asn (NM_001438330.1); and 2 more; short protein forms D646N, D931N, D996N, D969N, D1018N, D904N, D958N, D991N.
Identifiers: ClinVar variation 1382016 (VCV001382016.8), dbSNP rs1384362094, ClinGen allele CA371197280.

ClinVar aggregate classification (germline): Uncertain significance. Review status: criteria provided, multiple submitters, no conflicts (2 of 4 stars). 2 submissions from 2 submitters: Uncertain significance (2). Last evaluated 2025-03-26.

Conditions:
Joubert syndrome 21 (JBTS21). Identifiers: MedGen C3810212, MONDO:0014288, OMIM 615636.
Inborn genetic diseases. Identifiers: MedGen C0950123, MeSH D030342.

Allele frequency attached by ClinVar (database versions not stated): gnomAD exomes below 0.00001 and 0.00001; TOPMed 0.00001.
gnomAD v4.1: 3 of 1,611,038 alleles (0.00019%); highest among the groups gnomAD compares: Admixed American, 0.005%; no homozygotes.

Submissions (2):

Ambry Genetics
Classification: Uncertain significance for Inborn genetic diseases. Last evaluated: 2025-03-26. Review status: criteria provided, single submitter. Criteria: Ambry Variant Classification Scheme 2023. Collection method: clinical testing. Allele origin: germline.

Labcorp Genetics (formerly Invitae), Labcorp
Classification: Uncertain significance for Joubert syndrome 21. Last evaluated: 2023-07-03. Review status: criteria provided, single submitter. Criteria: Invitae Variant Classification Sherloc (09022015). Collection method: clinical testing. Allele origin: germline.
Comment: An algorithm developed to predict the effect of missense changes on protein structure and function (PolyPhen-2) suggests that this variant is likely to be disruptive. This sequence change replaces aspartic acid, which is acidic and polar, with asparagine, which is neutral and polar, at codon 991 of the CSPP1 protein (p.Asp991Asn). This variant is present in population databases (no rsID available, gnomAD 0.006%). This variant has not been reported in the literature in individuals affected with CSPP1-related conditions. ClinVar contains an entry for this variant (Variation ID: 1382016). In summary, the available evidence is currently insufficient to determine the role of this variant in disease. Therefore, it has been classified as a Variant of Uncertain Significance.